The following is an entry in ClinVar:

ClinVar aggregate classification (germline): Uncertain significance (1 of 4 stars; one submission).

Allele frequency attached by ClinVar (database versions not stated): gnomAD exomes below 0.00001.

Submission:

GeneDx
Classification: Uncertain significance. Last evaluated: 2023-12-07. Review status: criteria provided, single submitter. Criteria: GeneDx Variant Classification Process June 2021. Collection method: clinical testing. Allele origin: germline. Affected: yes.
Comment: Not observed at significant frequency in large population cohorts (gnomAD); In silico analysis supports that this missense variant does not alter protein structure/function; Has not been previously published as pathogenic or benign to our knowledge

NM_001330574.2(ZNF711):c.541G>T (p.Gly181Cys)

Gene: ZNF711 (zinc finger protein 711; plus strand). Cytogenetic location: Xq21.1.
Variant type: single nucleotide variant.
Coding change: c.541G>T on transcript NM_001330574.2 (MANE Select); coding-DNA position 541, G replaced by T.
Protein change: p.Gly181Cys; replaces glycine 181 with cysteine.
Molecular consequence: missense variant.
Genome position (GRCh38, 1-based): chrX:85,255,720, G>T. VCF-style: chrX-85255720-G-T. GRCh37 (hg19) VCF-style: chrX-84510726-G-T.
Other names: c.541G>T, p.Gly181Cys (NM_001375431.1, NM_001375432.1, NM_001375433.1 and 5 more transcripts); short protein forms G181C.
Identifiers: ClinVar variation 3252498 (VCV003252498.1), dbSNP rs2520245401.